The following is an entry in ClinVar:

NM_004991.4(MECOM):c.1807A>G (p.Ser603Gly)

Gene: MECOM (MDS1 and EVI1 complex locus; minus strand). Cytogenetic location: 3q26.2.
Variant type: single nucleotide variant.
Coding change: c.1807A>G on transcript NM_004991.4 (MANE Select); coding-DNA position 1807, A replaced by G.
Protein change: p.Ser603Gly; replaces serine 603 with glycine.
Molecular consequence: missense variant. On other transcripts: intron variant (2).
Genome position (GRCh38, 1-based): chr3:169,116,065, T>C on the plus strand (A>G on the coding strand, the complement: MECOM is on the minus strand). VCF-style: chr3-169116065-T-C. GRCh37 (hg19) VCF-style: chr3-168833853-T-C.
Other names: c.1438A>G, p.Ser480Gly (NM_001105077.4); c.1243A>G, p.Ser415Gly (NM_001105078.4, NM_001164000.2, NM_001205194.2 and 4 more transcripts); c.1246A>G, p.Ser416Gly (NM_001163999.2, NM_001366467.2, NM_001366468.2 and 1 more transcripts); c.1807A>G, p.Ser603Gly (NM_001366466.2); c.1133-298A>G (NM_001366473.2); c.569-298A>G (NM_001366474.2); c.1807A>G (NM_004991.3); short protein forms S603G, S480G, S415G, S416G.
Identifiers: ClinVar variation 2129592 (VCV002129592.6), dbSNP rs1020395204, ClinGen allele CA87576384.

ClinVar aggregate classification (germline): Uncertain significance. Review status: criteria provided, multiple submitters, no conflicts (2 of 4 stars). 2 submissions from 2 submitters: Uncertain significance (2). Last evaluated 2026-04-20.

Conditions:
Inborn genetic diseases. Identifiers: MedGen C0950123, MeSH D030342.

Allele frequency attached by ClinVar (database versions not stated): gnomAD exomes below 0.00001; gnomAD 0.00001; TOPMed 0.00002.
gnomAD v4.1: 2 of 1,614,096 alleles (0.00012%); highest among the groups gnomAD compares: African/African-American, 0.0027%; no homozygotes.

Submissions (2):

Ambry Genetics
Classification: Uncertain significance for Inborn genetic diseases. Last evaluated: 2026-04-20. Review status: criteria provided, single submitter. Criteria: Ambry Variant Classification Scheme 2023. Collection method: clinical testing. Allele origin: germline.
Comment: The p.S603G variant (also known as c.1807A>G), located in coding exon 8 of the MECOM gene, results from an A to G substitution at nucleotide position 1807. The serine at codon 603 is replaced by glycine, an amino acid with similar properties. This amino acid position is conserved. In addition, this alteration is predicted to be tolerated by in silico analysis. Based on the available evidence, the clinical significance of this variant remains unclear.

Labcorp Genetics (formerly Invitae), Labcorp
Classification: Uncertain significance. Last evaluated: 2025-10-23. Review status: criteria provided, single submitter. Criteria: Invitae Variant Classification Sherloc (09022015). Collection method: clinical testing. Allele origin: germline.
Comment: This sequence change replaces serine, which is neutral and polar, with glycine, which is neutral and non-polar, at codon 415 of the MECOM protein (p.Ser415Gly). This variant is not present in population databases (gnomAD no frequency). This variant has not been reported in the literature in individuals affected with MECOM-related conditions. ClinVar contains an entry for this variant (Variation ID: 2129592). An algorithm developed to predict the effect of missense changes on protein structure and function (PolyPhen-2) suggests that this variant is likely to be disruptive. In summary, the available evidence is currently insufficient to determine the role of this variant in disease. Therefore, it has been classified as a Variant of Uncertain Significance.